The following is an entry in ClinVar:

NM_001385875.1(ZFYVE27):c.522G>A (p.Leu174=)

Gene: ZFYVE27 (zinc finger FYVE-type containing 27; plus strand). Cytogenetic location: 10q24.2.
Variant type: single nucleotide variant.
Coding change: c.522G>A on transcript NM_001385875.1 (MANE Select); coding-DNA position 522, G replaced by A.
Protein change: p.Leu174=; no amino-acid change (leucine 174 retained).
Molecular consequence: synonymous variant. On other transcripts: non-coding transcript variant (13), intron variant (6).
Genome position (GRCh38, 1-based): chr10:97,748,335, G>A. VCF-style: chr10-97748335-G-A. GRCh37 (hg19) VCF-style: chr10-99508092-G-A.
Other names: c.522G>A, p.Leu174= (NM_001002261.4, NM_001002262.4, NM_001385871.1 and 8 more transcripts); c.426G>A, p.Leu142= (NM_001174119.2, NM_001385885.1, NM_001385887.1 and 1 more transcripts); c.264G>A, p.Leu88= (NM_001174120.2, NM_001385901.1, NM_001385902.1 and 3 more transcripts); c.228G>A, p.Leu76= (NM_001174121.2, NM_001385915.1); c.561G>A, p.Leu187= (NM_001385876.1); c.486G>A, p.Leu162= (NM_001385881.1); c.318G>A, p.Leu106= (NM_001385890.1, NM_001385891.1, NM_001385892.1 and 6 more transcripts); c.285G>A, p.Leu95= (NM_001385899.1, NM_001385900.1, NM_001385903.1 and 2 more transcripts); and 4 more.
Identifiers: ClinVar variation 301835 (VCV000301835.16), dbSNP rs143515214, ClinGen allele CA5635193.

ClinVar aggregate classification (germline): Benign/Likely benign. Review status: criteria provided, multiple submitters, no conflicts (2 of 4 stars). 5 submissions from 5 submitters: Benign (2); Likely benign (3). Last evaluated 2025-04-14.

Conditions:
Spastic paraplegia. Identifiers: MedGen C0037772, HP:0001258.
Hereditary spastic paraplegia 33. Also called: SPASTIC PARAPLEGIA 33, AUTOSOMAL DOMINANT. Identifiers: MedGen C1853251, MONDO:0012448, OMIM 610244.

Allele frequency attached by ClinVar (database versions not stated): 1000 Genomes Project 0.00020; TOPMed 0.00026; 1000 Genomes Project 30x 0.00031; gnomAD 0.00033 and 0.00035; gnomAD exomes 0.00037 and 0.00060; ExAC 0.00054; ESP Exome Variant Server 0.00054.
gnomAD v4.1: 910 of 1,614,146 alleles (0.056%); highest among the groups gnomAD compares: Non-Finnish European, 0.071%; 1 homozygote.

Submissions (5):

Labcorp Genetics (formerly Invitae), Labcorp
Classification: Benign for Spastic paraplegia. Last evaluated: 2025-04-14. Review status: criteria provided, single submitter. Criteria: Invitae Variant Classification Sherloc (09022015). Collection method: clinical testing. Allele origin: germline.

Blueprint Genetics
Classification: Likely benign. Last evaluated: 2024-03-15. Review status: criteria provided, single submitter. Criteria: ACMG Guidelines, 2015. Collection method: clinical testing. Allele origin: germline.

Genome-Nilou Lab
Classification: Benign for Hereditary spastic paraplegia 33. Last evaluated: 2021-12-05. Review status: criteria provided, single submitter. Criteria: ACMG Guidelines, 2015. Collection method: clinical testing. Allele origin: germline. Affected: no.

Illumina Laboratory Services, Illumina
Classification: Likely benign for Hereditary spastic paraplegia 33. Last evaluated: 2018-01-13. Review status: criteria provided, single submitter. Criteria: ICSL Variant Classification Criteria 13 December 2019. Collection method: clinical testing. Allele origin: germline.
Comment: This variant was observed in the ICSL laboratory as part of a predisposition screen in an ostensibly healthy population. It had not been previously curated by ICSL or reported in the Human Gene Mutation Database (HGMD: prior to June 1st, 2018), and was therefore a candidate for classification through an automated scoring system. Utilizing variant allele frequency, disease prevalence and penetrance estimates, and inheritance mode, an automated score was calculated to assess if this variant is too frequent to cause the disease. Based on the score and internal cut-off values, a variant classified as likely benign is not then subjected to further curation. The score for this variant resulted in a classification of likely benign for this disease.

Breakthrough Genomics
Classification: Likely benign. Review status: criteria provided, single submitter. Criteria: ACMG Guidelines, 2015. Collection method: not provided. Allele origin: germline. Inheritance: Autosomal dominant inheritance. Affected: yes.